The following is an entry in ClinVar:

NM_024675.4(PALB2):c.254A>G (p.Lys85Arg)

Gene: PALB2 (partner and localizer of BRCA2; minus strand). Cytogenetic location: 16p12.2.
Variant type: single nucleotide variant.
Coding change: c.254A>G on transcript NM_024675.4 (MANE Select); coding-DNA position 254, A replaced by G.
Protein change: p.Lys85Arg; replaces lysine 85 with arginine.
Molecular consequence: missense variant.
Genome position (GRCh38, 1-based): chr16:23,636,292, T>C on the plus strand (A>G on the coding strand, the complement: PALB2 is on the minus strand). VCF-style: chr16-23636292-T-C. GRCh37 (hg19) VCF-style: chr16-23647613-T-C.
Other names: short protein forms K85R.
Identifiers: ClinVar variation 638977 (VCV000638977.11), dbSNP rs1597099769, ClinGen allele CA395138897.

ClinVar aggregate classification (germline): Conflicting classifications of pathogenicity. Review status: criteria provided, conflicting classifications (1 of 4 stars). 3 submissions from 3 submitters: Uncertain significance (1); Likely benign (1). 1 of the submissions does not count toward it. Last evaluated 2025-12-23.

Conditions:
Hereditary cancer-predisposing syndrome. Also called: Neoplastic Syndromes, Hereditary; Tumor predisposition; Hereditary Cancer Syndrome; Hereditary neoplastic syndrome. Identifiers: Orphanet 140162, MedGen C0027672, MeSH D009386, MONDO:0015356.
Familial cancer of breast. Also called: BREAST CANCER, FAMILIAL; hereditary breast carcinoma; Hereditary breast cancer. Identifiers: Orphanet 227535, MedGen C0346153, MONDO:0016419, OMIM 114480. Disease mechanism: loss of function.

Submissions (3):

Labcorp Genetics (formerly Invitae), Labcorp
Classification: Uncertain significance for Familial cancer of breast. Last evaluated: 2025-12-23. Review status: criteria provided, single submitter. Criteria: Invitae Variant Classification Sherloc (09022015). Collection method: clinical testing. Allele origin: germline.
Comment: This sequence change replaces lysine, which is basic and polar, with arginine, which is basic and polar, at codon 85 of the PALB2 protein (p.Lys85Arg). This variant is not present in population databases (gnomAD no frequency). This variant has not been reported in the literature in individuals affected with PALB2-related conditions. ClinVar contains an entry for this variant (Variation ID: 638977). An algorithm developed to predict the effect of missense changes on protein structure and function (PolyPhen-2) suggests that this variant is likely to be tolerated. In summary, the available evidence is currently insufficient to determine the role of this variant in disease. Therefore, it has been classified as a Variant of Uncertain Significance.

Ambry Genetics
Classification: Likely benign for Hereditary cancer-predisposing syndrome. Last evaluated: 2024-10-28. Review status: criteria provided, single submitter. Criteria: Ambry Variant Classification Scheme 2023. Collection method: clinical testing. Allele origin: germline.

Leiden Open Variation Database
Classification: Uncertain significance. Last evaluated: 2018-10-10. Review status: no assertion criteria provided. Collection method: curation. Allele origin: germline. Affected: yes. Not counted in ClinVar's aggregate classification.
Comment: Curators: Marc Tischkowitz, Arleen D. Auerbach. Submitter to LOVD: Yukihide Momozawa.

Literature cited by the submitters: PubMed 30287823 (cited by Leiden Open Variation Database).